The following is an entry in ClinVar:

NM_001288705.3(CSF1R):c.720C>G (p.Asn240Lys)

Genes: CSF1R (colony stimulating factor 1 receptor; minus strand), LOC111188154 (RORalpha allelically-responsive CSF1R enhancer; plus strand). Cytogenetic location: 5q32.
Variant type: single nucleotide variant.
Coding change: c.720C>G on transcript NM_001288705.3 (MANE Select); coding-DNA position 720, C replaced by G.
Protein change: p.Asn240Lys; replaces asparagine 240 with lysine.
Molecular consequence: missense variant. On other transcripts: non-coding transcript variant (2).
Genome position (GRCh38, 1-based): chr5:150,078,121, G>C on the plus strand (C>G on the coding strand, the complement: CSF1R is on the minus strand). VCF-style: chr5-150078121-G-C. GRCh37 (hg19) VCF-style: chr5-149457684-G-C.
Other names: c.720C>G, p.Asn240Lys (NM_001349736.2, NM_001375320.1, NM_005211.4); c.276C>G, p.Asn92Lys (NM_001375321.1); short protein forms N240K, N92K.
Identifiers: ClinVar variation 904889 (VCV000904889.5), dbSNP rs754023795, ClinGen allele CA3507103.
Genomic context (GRCh38, chr5:150,078,121, plus strand): 5'-GGTGTGCTGGGAGGATGGCCAGACTTCACCTTGTGATCTGCAGGGACTGACCTTGGTGTT[G>C]TTGTGTTGGAGGAAGACATCAAAGTTAACATCAACGCTGCTGGCTGAGCACACGATCTGG-3'
Protein context (NP_001275634.1, residues 230-250): DVNFDVFLQH[Asn240Lys]NTKLAIPQQS

ClinVar aggregate classification (germline): Conflicting classifications of pathogenicity. Review status: criteria provided, conflicting classifications (1 of 4 stars). 2 submissions from 2 submitters: Uncertain significance (1); Likely benign (1). Last evaluated 2025-11-04.

Conditions:
Hereditary diffuse leukoencephalopathy with spheroids. Also called: LEUKOENCEPHALOPATHY, ADULT-ONSET, WITH AXONAL SPHEROIDS AND PIGMENTED GLIA. Identifiers: Orphanet 313808, MedGen C3711381, MONDO:0030796.

Allele frequency attached by ClinVar (database versions not stated): gnomAD 0.00001; TOPMed 0.00001; ExAC 0.00002; gnomAD exomes 0.00002.
gnomAD v4.1: 29 of 1,614,016 alleles (0.0018%); highest among the groups gnomAD compares: Non-Finnish European, 0.0025%; no homozygotes.

Submissions (2):

Labcorp Genetics (formerly Invitae), Labcorp
Classification: Uncertain significance. Last evaluated: 2025-11-04. Review status: criteria provided, single submitter. Criteria: Invitae Variant Classification Sherloc (09022015). Collection method: clinical testing. Allele origin: germline.
Comment: This sequence change replaces asparagine, which is neutral and polar, with lysine, which is basic and polar, at codon 240 of the CSF1R protein (p.Asn240Lys). This variant is present in population databases (rs754023795, gnomAD 0.004%). This variant has not been reported in the literature in individuals affected with CSF1R-related conditions. ClinVar contains an entry for this variant (Variation ID: 904889). Invitae Evidence Modeling of protein sequence and biophysical properties (such as structural, functional, and spatial information, amino acid conservation, physicochemical variation, residue mobility, and thermodynamic stability) indicates that this missense variant is not expected to disrupt CSF1R protein function with a negative predictive value of 95%. In summary, the available evidence is currently insufficient to determine the role of this variant in disease. Therefore, it has been classified as a Variant of Uncertain Significance.

Illumina Laboratory Services, Illumina
Classification: Likely benign for Leukoencephalopathy, diffuse hereditary, with spheroids 1. Last evaluated: 2018-01-13. Review status: criteria provided, single submitter. Criteria: ICSL Variant Classification Criteria 13 December 2019. Collection method: clinical testing. Allele origin: germline.
Comment: This variant was observed in the ICSL laboratory as part of a predisposition screen in an ostensibly healthy population. It had not been previously curated by ICSL or reported in the Human Gene Mutation Database (HGMD: prior to June 1st, 2018), and was therefore a candidate for classification through an automated scoring system. Utilizing variant allele frequency, disease prevalence and penetrance estimates, and inheritance mode, an automated score was calculated to assess if this variant is too frequent to cause the disease. Based on the score and internal cut-off values, a variant classified as likely benign is not then subjected to further curation. The score for this variant resulted in a classification of likely benign for this disease.